The following is an entry in ClinVar:

ClinVar aggregate classification (germline): Uncertain significance. Review status: criteria provided, multiple submitters, no conflicts (2 of 4 stars). 5 submissions from 5 submitters: Uncertain significance (5). Last evaluated 2023-06-19.

Conditions:
Cobalamin C disease. Also called: Methylmalonic aciduria and homocystinuria, Vitamin B12-responsive; Vitamin B12 metabolic defect with combined deficiency of methylmalonyl-CoA mutase and homocysteine:methyltetrahydrofolate methyltransferase; methylmalonic aciduria and homocystinuria type cblC; Cobalamin-C methylmalonic acidemia and homocystinuria; Methylmalonic acidemia and homocystinuria cblC type; Methylmalonic aciduria with homocystinuria cblC type. Identifiers: Orphanet 26, Orphanet 79282, MedGen C1848561, MONDO:0010184, OMIM 277400.
Inborn genetic diseases. Identifiers: MedGen C0950123, MeSH D030342.

Allele frequency attached by ClinVar (database versions not stated): ESP Exome Variant Server 0.00008; gnomAD exomes 0.00009; ExAC 0.00011; 1000 Genomes Project 30x 0.00016; 1000 Genomes Project 0.00020; gnomAD 0.00021; TOPMed 0.00038.

Submissions (5):

Blueprint Genetics
Classification: Uncertain significance. Last evaluated: 2023-06-19. Review status: criteria provided, single submitter. Criteria: ACMG Guidelines, 2015. Collection method: clinical testing. Allele origin: germline.

Genome-Nilou Lab
Classification: Uncertain significance for Cobalamin C disease. Last evaluated: 2023-04-11. Review status: criteria provided, single submitter. Criteria: ACMG Guidelines, 2015. Collection method: clinical testing. Allele origin: germline. Affected: no.

Mayo Clinic Laboratories, Mayo Clinic
Classification: Uncertain significance. Last evaluated: 2023-01-03. Review status: criteria provided, single submitter. Criteria: ACMG Guidelines, 2015. Collection method: clinical testing. Allele origin: germline. Observed: 1 variant allele.

Labcorp Genetics (formerly Invitae), Labcorp
Classification: Uncertain significance for Cobalamin C disease. Last evaluated: 2022-10-13. Review status: criteria provided, single submitter. Criteria: Invitae Variant Classification Sherloc (09022015). Collection method: clinical testing. Allele origin: germline.
Comment: This sequence change replaces arginine, which is basic and polar, with histidine, which is basic and polar, at codon 201 of the MMACHC protein (p.Arg201His). This variant is present in population databases (rs200515707, gnomAD 0.01%). This variant has not been reported in the literature in individuals affected with MMACHC-related conditions. Advanced modeling of protein sequence and biophysical properties (such as structural, functional, and spatial information, amino acid conservation, physicochemical variation, residue mobility, and thermodynamic stability) has been performed at Invitae for this missense variant, however the output from this modeling did not meet the statistical confidence thresholds required to predict the impact of this variant on MMACHC protein function. In summary, the available evidence is currently insufficient to determine the role of this variant in disease. Therefore, it has been classified as a Variant of Uncertain Significance.

Ambry Genetics
Classification: Uncertain significance for Inborn genetic diseases. Last evaluated: 2021-08-30. Review status: criteria provided, single submitter. Criteria: Ambry Variant Classification Scheme 2023. Collection method: clinical testing. Allele origin: germline.

NM_015506.3(MMACHC):c.602G>A (p.Arg201His)

Genes: MMACHC (metabolism of cobalamin associated C; plus strand), LOC129930446 (ATAC-STARR-seq lymphoblastoid active region 972; plus strand). Cytogenetic location: 1p34.1.
Variant type: single nucleotide variant.
Coding change: c.602G>A on transcript NM_015506.3 (MANE Select); coding-DNA position 602, G replaced by A.
Protein change: p.Arg201His; replaces arginine 201 with histidine.
Molecular consequence: missense variant.
Genome position (GRCh38, 1-based): chr1:45,508,968, G>A. VCF-style: chr1-45508968-G-A. GRCh37 (hg19) VCF-style: chr1-45974640-G-A.
Other names: p.Arg201His; c.431G>A, p.Arg144His (NM_001330540.2); short protein forms R144H, R201H.
Identifiers: ClinVar variation 1992303 (VCV001992303.5), dbSNP rs200515707, ClinGen allele CA827805.